The following is an entry in ClinVar:

NM_000257.4(MYH7):c.180T>C (p.Thr60=)

Gene: MYH7 (myosin heavy chain 7; minus strand). Cytogenetic location: 14q11.2.
Variant type: single nucleotide variant.
Coding change: c.180T>C on transcript NM_000257.4 (MANE Select); coding-DNA position 180, T replaced by C.
Protein change: p.Thr60=; no amino-acid change (threonine 60 retained).
Molecular consequence: synonymous variant.
Genome position (GRCh38, 1-based): chr14:23,433,553, A>G on the plus strand (T>C on the coding strand, the complement: MYH7 is on the minus strand). VCF-style: chr14-23433553-A-G. GRCh37 (hg19) VCF-style: chr14-23902762-A-G.
Other names: c.180T>C, p.Thr60= (NM_001407004.1).
Identifiers: ClinVar variation 3072311 (VCV003072311.11), dbSNP rs2502322148, ClinGen allele CA485627105.

ClinVar aggregate classification (germline): Likely benign. Review status: criteria provided, multiple submitters, no conflicts (2 of 4 stars). 4 submissions from 4 submitters: Likely benign (4). Last evaluated 2025-02-26.

Conditions:
Cardiomyopathy (CMYO). Also called: Cardiomyopathies. Identifiers: Orphanet 167848, MedGen C0878544, MONDO:0004994, HP:0001638. Inheritance: Various modes of inheritance.
Hypertrophic cardiomyopathy. Also called: HYPERTROPHIC MYOCARDIOPATHY. Identifiers: Orphanet 217569, MedGen C0007194, MeSH D002312, MONDO:0005045, HP:0001639.

Allele frequency attached by ClinVar (database versions not stated): gnomAD exomes below 0.00001.
gnomAD v4.1: 1 of 1,614,162 alleles (0.000062%); highest among the groups gnomAD compares: Non-Finnish European, 0.000085%; no homozygotes.

Submissions (4):

Labcorp Genetics (formerly Invitae), Labcorp
Classification: Likely benign for Hypertrophic cardiomyopathy. Last evaluated: 2025-02-26. Review status: criteria provided, single submitter. Criteria: Invitae Variant Classification Sherloc (09022015). Collection method: clinical testing. Allele origin: germline.

CeGaT Center for Human Genetics Tuebingen
Classification: Likely benign. Last evaluated: 2025-02-01. Review status: criteria provided, single submitter. Criteria: CeGaT Center For Human Genetics Tuebingen Variant Classification Criteria Version 2. Collection method: clinical testing. Allele origin: germline. Affected: yes. Observed: 1 variant allele.
Comment: MYH7: BP4, BP7

All of Us Research Program, National Institutes of Health
Classification: Likely benign for Cardiomyopathy. Last evaluated: 2023-12-13. Review status: criteria provided, single submitter. Criteria: ACMG Guidelines, 2015. Collection method: clinical testing. Allele origin: germline. Inheritance: Autosomal dominant inheritance. Observed: 3 variant alleles, 3 heterozygotes.
Comment: This study involves interpretation of variants in research participants for the purpose of population health screening. Participant phenotype was not available at the time of variant classification. Additional details can be found in publication PMID: 35346344, PMCID: PMC8962531

Color Diagnostics, LLC DBA Color Health
Classification: Likely benign for Cardiomyopathy. Last evaluated: 2022-11-06. Review status: criteria provided, single submitter. Criteria: ACMG Guidelines, 2015. Collection method: clinical testing. Allele origin: germline.